The following is an entry in ClinVar:

NM_014014.5(SNRNP200):c.3654C>T (p.Ser1218=)

Gene: SNRNP200 (small nuclear ribonucleoprotein U5 subunit 200; minus strand). Cytogenetic location: 2q11.2.
Variant type: single nucleotide variant.
Coding change: c.3654C>T on transcript NM_014014.5 (MANE Select); coding-DNA position 3654, C replaced by T.
Protein change: p.Ser1218=; no amino-acid change (serine 1218 retained).
Molecular consequence: synonymous variant.
Genome position (GRCh38, 1-based): chr2:96,286,863, G>A on the plus strand (C>T on the coding strand, the complement: SNRNP200 is on the minus strand). VCF-style: chr2-96286863-G-A. GRCh37 (hg19) VCF-style: chr2-96952601-G-A.
Identifiers: ClinVar variation 196134 (VCV000196134.22), dbSNP rs3214060, ClinGen allele CA202159.
Genomic context (GRCh38, chr2:96,286,863, plus strand): 5'-ATACTCATGGTGCAGAATCACCTCGCTGTCCACATCCTCCACCAGAATCCAAAAAGCCTC[G>A]GATGAACCATGCACCTGCCAACAGGAGCAAGGGTAAAAGGAATGTGAGTCAACGTAGACT-3'
Protein context (NP_054733.2, residues 1208-1228): FQWDEKVHGS[Ser1218=]EAFWILVEDV

ClinVar aggregate classification (germline): Benign/Likely benign. Review status: criteria provided, multiple submitters, no conflicts (2 of 4 stars). 6 submissions from 6 submitters: Benign (5); Likely benign (1). Last evaluated 2026-02-01.

Conditions:
Retinal dystrophy. Also called: Inherited retinal dystrophy. Identifiers: Orphanet 71862, MedGen C0854723, MeSH D058499, MONDO:0019118, HP:0000556.
Retinitis pigmentosa (RP). Identifiers: Orphanet 791, MedGen C0035334, MeSH D012174, MONDO:0019200, OMIM 268000. Inheritance: Autosomal dominant, autosomal recessive and X linked inheritance.
Retinitis pigmentosa 33 (RP33). Identifiers: Orphanet 791, MedGen C1835895, MONDO:0012477, OMIM 610359.

Allele frequency attached by ClinVar (database versions not stated): ESP Exome Variant Server 0.00085; gnomAD 0.00353 and 0.00443; ExAC 0.00707; TOPMed 0.00757; gnomAD exomes 0.00797; 1000 Genomes Project 30x 0.01249; 1000 Genomes Project 0.01378.
gnomAD v4.1: 6,448 of 1,614,130 alleles (0.4%); highest among the groups gnomAD compares: East Asian, 8.8%; 186 homozygotes.

Submissions (6):

Labcorp Genetics (formerly Invitae), Labcorp
Classification: Benign. Last evaluated: 2026-02-01. Review status: criteria provided, single submitter. Criteria: Invitae Variant Classification Sherloc (09022015). Collection method: clinical testing. Allele origin: germline.

Dept Of Ophthalmology, Nagoya University
Classification: Benign for Retinal dystrophy. Last evaluated: 2023-10-01. Review status: criteria provided, single submitter. Criteria: Submitter's publication. Collection method: research. Allele origin: germline. Affected: yes.

Fulgent Genetics
Classification: Likely benign for Retinitis pigmentosa 33. Last evaluated: 2022-03-30. Review status: criteria provided, single submitter. Criteria: ACMG Guidelines, 2015. Collection method: clinical testing. Allele origin: unknown.

Illumina Laboratory Services, Illumina
Classification: Benign for Retinitis pigmentosa. Last evaluated: 2018-01-12. Review status: criteria provided, single submitter. Criteria: ICSL Variant Classification Criteria 13 December 2019. Collection method: clinical testing. Allele origin: germline.
Comment: This variant was observed in the ICSL laboratory as part of a predisposition screen in an ostensibly healthy population. It had not been previously curated by ICSL or reported in the Human Gene Mutation Database (HGMD: prior to June 1st, 2018), and was therefore a candidate for classification through an automated scoring system. Utilizing variant allele frequency, disease prevalence and penetrance estimates, and inheritance mode, an automated score was calculated to assess if this variant is too frequent to cause the disease. Based on the score and internal cut-off values, a variant classified as benign is not then subjected to further curation. The score for this variant resulted in a classification of benign for this disease.

Eurofins Ntd Llc (ga)
Classification: Benign. Last evaluated: 2014-06-25. Review status: criteria provided, single submitter. Criteria: EGL Classification Definitions 2015. Collection method: clinical testing. Allele origin: germline. Observed: 1 variant allele, 1 heterozygote.

Breakthrough Genomics
Classification: Benign. Review status: criteria provided, single submitter. Criteria: ACMG Guidelines, 2015. Collection method: not provided. Allele origin: germline. Inheritance: Unknown mechanism. Affected: yes.